The following is an entry in ClinVar:

NM_012213.3(MLYCD):c.393C>T (p.Tyr131=)

Gene: MLYCD (malonyl-CoA decarboxylase; plus strand). Cytogenetic location: 16q23.3.
Variant type: single nucleotide variant.
Coding change: c.393C>T on transcript NM_012213.3 (MANE Select); coding-DNA position 393, C replaced by T.
Protein change: p.Tyr131=; no amino-acid change (tyrosine 131 retained).
Molecular consequence: synonymous variant.
Genome position (GRCh38, 1-based): chr16:83,899,537, C>T. VCF-style: chr16-83899537-C-T. GRCh37 (hg19) VCF-style: chr16-83933142-C-T.
Identifiers: ClinVar variation 390554 (VCV000390554.14), dbSNP rs560831102, ClinGen allele CA8197211.

ClinVar aggregate classification (germline): Benign/Likely benign. Review status: criteria provided, multiple submitters, no conflicts (2 of 4 stars). 5 submissions from 5 submitters: Benign (1); Likely benign (4). Last evaluated 2026-02-01.

Conditions:
Deficiency of malonyl-CoA decarboxylase. Also called: Malonic aciduria; MCD deficiency. Identifiers: Orphanet 943, MedGen C0342793, MONDO:0009556, OMIM 248360.

Allele frequency attached by ClinVar (database versions not stated): gnomAD 0.00015 and 0.00028; TOPMed 0.00020.
gnomAD v4.1: 638 of 1,591,090 alleles (0.04%); highest among the groups gnomAD compares: South Asian, 0.52%; 6 homozygotes.

Submissions (5):

Labcorp Genetics (formerly Invitae), Labcorp
Classification: Benign for Deficiency of malonyl-CoA decarboxylase. Last evaluated: 2026-02-01. Review status: criteria provided, single submitter. Criteria: Invitae Variant Classification Sherloc (09022015). Collection method: clinical testing. Allele origin: germline.

Blueprint Genetics
Classification: Likely benign. Last evaluated: 2024-11-08. Review status: criteria provided, single submitter. Criteria: ACMG Guidelines, 2015. Collection method: clinical testing. Allele origin: germline.

GeneDx
Classification: Likely benign. Last evaluated: 2018-02-02. Review status: criteria provided, single submitter. Criteria: GeneDx Variant Classification (06012015). Collection method: clinical testing. Allele origin: germline. Affected: yes.
Comment: This variant is considered likely benign or benign based on one or more of the following criteria: it is a conservative change, it occurs at a poorly conserved position in the protein, it is predicted to be benign by multiple in silico algorithms, and/or has population frequency not consistent with disease.

Illumina Laboratory Services, Illumina
Classification: Likely benign for Deficiency of malonyl-CoA decarboxylase. Last evaluated: 2017-04-27. Review status: criteria provided, single submitter. Criteria: ICSL Variant Classification Criteria 13 December 2019. Collection method: clinical testing. Allele origin: germline.
Comment: This variant was observed as part of a predisposition screen in an ostensibly healthy population. A literature search was performed for the gene, cDNA change, and amino acid change (where applicable). No publications were found based on this search. Allele frequency data from public databases allowed determination this variant is unlikely to cause disease. Therefore, this variant is classified as likely benign.

Breakthrough Genomics
Classification: Likely benign. Review status: criteria provided, single submitter. Criteria: ACMG Guidelines, 2015. Collection method: not provided. Allele origin: germline. Inheritance: Autosomal recessive inheritance. Affected: yes.